The following is an entry in ClinVar:

ClinVar aggregate classification (germline): Uncertain significance (1 of 4 stars; one submission).

Submission:

Labcorp Genetics (formerly Invitae), Labcorp
Classification: Uncertain significance. Last evaluated: 2021-12-23. Review status: criteria provided, single submitter. Criteria: Invitae Variant Classification Sherloc (09022015). Collection method: clinical testing. Allele origin: germline.
Comment: Algorithms developed to predict the effect of missense changes on protein structure and function (SIFT, PolyPhen-2, Align-GVGD) all suggest that this variant is likely to be tolerated. This variant has not been reported in the literature in individuals affected with POLE-related conditions. This variant is not present in population databases (gnomAD no frequency). This sequence change replaces leucine, which is neutral and non-polar, with proline, which is neutral and non-polar, at codon 1269 of the POLE protein (p.Leu1269Pro). In summary, the available evidence is currently insufficient to determine the role of this variant in disease. Therefore, it has been classified as a Variant of Uncertain Significance.

NM_006231.4(POLE):c.3806T>C (p.Leu1269Pro)

Gene: POLE (DNA polymerase epsilon, catalytic subunit; minus strand). Cytogenetic location: 12q24.33.
Variant type: single nucleotide variant.
Coding change: c.3806T>C on transcript NM_006231.4 (MANE Select); coding-DNA position 3806, T replaced by C.
Protein change: p.Leu1269Pro; replaces leucine 1269 with proline.
Molecular consequence: missense variant.
Genome position (GRCh38, 1-based): chr12:132,649,505, A>G on the plus strand (T>C on the coding strand, the complement: POLE is on the minus strand). VCF-style: chr12-132649505-A-G. GRCh37 (hg19) VCF-style: chr12-133226091-A-G.
Other names: short protein forms L1269P.
Identifiers: ClinVar variation 2054596 (VCV002054596.4), dbSNP rs2138610234, ClinGen allele CA387385674.